The following is an entry in ClinVar:

NM_015488.5(PNKD):c.320G>C (p.Gly107Ala)

Genes: PNKD (PNKD metallo-beta-lactamase domain containing; plus strand), CATIP-AS2 (CATIP antisense RNA 2; minus strand). Cytogenetic location: 2q35.
Variant type: single nucleotide variant.
Coding change: c.320G>C on transcript NM_015488.5 (MANE Select); coding-DNA position 320, G replaced by C.
Protein change: p.Gly107Ala; replaces glycine 107 with alanine.
Molecular consequence: missense variant.
Genome position (GRCh38, 1-based): chr2:218,339,866, G>C. VCF-style: chr2-218339866-G-C. GRCh37 (hg19) VCF-style: chr2-219204589-G-C.
Other names: c.248G>C, p.Gly83Ala (NM_022572.5); short protein forms G83A, G107A.
Identifiers: ClinVar variation 1378001 (VCV001378001.8), dbSNP rs2106292830, ClinGen allele CA350538236.

ClinVar aggregate classification (germline): Uncertain significance (1 of 4 stars; one submission).

Conditions:
Paroxysmal nonkinesigenic dyskinesia. Also called: Paroxysmal non-kinesigenic dyskinesia. Identifiers: Orphanet 98810, MedGen C1869117, MONDO:0700088.

Allele frequency attached by ClinVar (database versions not stated): gnomAD exomes below 0.00001.
gnomAD v4.1: 1 of 1,607,772 alleles (0.000062%); highest among the groups gnomAD compares: Non-Finnish European, 0.000085%; no homozygotes.

Submission:

Labcorp Genetics (formerly Invitae), Labcorp
Classification: Uncertain significance for Paroxysmal nonkinesigenic dyskinesia. Last evaluated: 2021-08-01. Review status: criteria provided, single submitter. Criteria: Invitae Variant Classification Sherloc (09022015). Collection method: clinical testing. Allele origin: germline.
Comment: In summary, the available evidence is currently insufficient to determine the role of this variant in disease. Therefore, it has been classified as a Variant of Uncertain Significance. Algorithms developed to predict the effect of missense changes on protein structure and function are either unavailable or do not agree on the potential impact of this missense change (SIFT: "Deleterious"; PolyPhen-2: "Probably Damaging"; Align-GVGD: "Class C0"). This variant has not been reported in the literature in individuals with PNKD-related conditions. This variant is not present in population databases (ExAC no frequency). This sequence change replaces glycine with alanine at codon 107 of the PNKD protein (p.Gly107Ala). The glycine residue is highly conserved and there is a small physicochemical difference between glycine and alanine.